The following is an entry in ClinVar:

NM_007294.4(BRCA1):c.2250_2252del (p.Met751del)

Gene: BRCA1 (BRCA1 DNA repair associated; minus strand). Cytogenetic location: 17q21.31.
Variant type: Deletion.
Coding change: c.2250_2252del on transcript NM_007294.4 (MANE Select); coding-DNA positions 2250 to 2252, 3 bases deleted (CAT; older notation c.2250_2252delCAT).
Protein change: p.Met751del; deletes methionine 751.
Molecular consequence: inframe deletion. On other transcripts: intron variant (137).
Genome position (GRCh38, 1-based): chr17:43,093,279-43,093,281, ATG deleted on the plus strand (CAT on the coding strand, the reverse complement: BRCA1 is on the minus strand); deleting any 3 consecutive bases within chr17:43,093,279-43,093,282 gives the same sequence; the c. name uses the placement nearest the transcript's 3' end. VCF-style (leftmost placement, unchanged base first): chr17-43093278-CATG-C. GRCh37 (hg19) VCF-style: chr17-41245295-CATG-C.
Other names: c.2127_2129del, p.Met710del (NM_001407682.1, NM_001407683.1, NM_001407666.1 and 19 more transcripts); c.2250_2252del, p.Met751del (NM_001407684.1, NM_001407854.1, NM_001407858.1 and 30 more transcripts); c.2124_2126del, p.Met709del (NM_001407685.1, NM_001407686.1, NM_001407687.1 and 11 more transcripts); c.2109_2111del, p.Met704del (NM_001407692.1, NM_001407694.1, NM_001407695.1 and 29 more transcripts); c.2106_2108del, p.Met703del (NM_001407740.1, NM_001407741.1, NM_001407742.1 and 20 more transcripts); c.2037_2039del, p.Met680del (NM_001407853.1, NM_001407894.1, NM_001407895.1 and 9 more transcripts); c.2247_2249del, p.Met750del (NM_001407860.1, NM_001407861.1, NM_001407644.1 and 22 more transcripts); c.2049_2051del, p.Met684del (NM_001407862.1); and 41 more; short protein forms M455del, M583del, M623del, M624del, M639del, M640del, M662del, M663del.
Identifiers: ClinVar variation 3072257 (VCV003072257.1), dbSNP rs2552190974, ClinGen allele CA2825002539.

ClinVar aggregate classification (germline): Uncertain significance (1 of 4 stars; one submission).

Conditions:
Breast-ovarian cancer, familial, susceptibility to, 1 (BROVCA1). Also called: BRCA1 Hereditary Breast and Ovarian Cancer; OVARIAN CANCER, SUSCEPTIBILITY TO. Identifiers: Orphanet 145, MedGen C2676676, MONDO:0011450, OMIM 604370. Disease mechanism: loss of function.

Submission:

All of Us Research Program, National Institutes of Health
Classification: Uncertain significance for Breast-ovarian cancer, familial, susceptibility to, 1. Last evaluated: 2023-06-26. Review status: criteria provided, single submitter. Criteria: ACMG Guidelines, 2015. Collection method: clinical testing. Allele origin: germline. Inheritance: Autosomal dominant inheritance. Observed: 1 variant allele, 1 heterozygote.
Comment: This variant causes the in-frame deletion of one amino acid, p.Met751del, in the BRCA1 protein. To our knowledge, functional studies have not been reported for this variant. This variant has not been reported in individuals affected with BRCA1-related disorders in the literature. This variant has not been identified in the general population by the Genome Aggregation Database (gnomAD). The available evidence is insufficient to determine the role of this variant in disease conclusively. Therefore, this variant is classified as a Variant of Uncertain Significance.

This study involves interpretation of variants in research participants for the purpose of population health screening. Participant phenotype was not available at the time of variant classification. Additional details can be found in publication PMID: 35346344, PMCID: PMC8962531